The following is an entry in ClinVar:

NM_000489.6(ATRX):c.2379A>T (p.Lys793Asn)

Gene: ATRX (ATRX chromatin remodeler; minus strand). Cytogenetic location: Xq21.1.
Variant type: single nucleotide variant.
Coding change: c.2379A>T on transcript NM_000489.6 (MANE Select); coding-DNA position 2379, A replaced by T.
Protein change: p.Lys793Asn; replaces lysine 793 with asparagine.
Molecular consequence: missense variant.
Genome position (GRCh38, 1-based): chrX:77,682,877, T>A on the plus strand (A>T on the coding strand, the complement: ATRX is on the minus strand). VCF-style: chrX-77682877-T-A. GRCh37 (hg19) VCF-style: chrX-76938369-T-A.
Other names: c.2265A>T, p.Lys755Asn (NM_138270.5); short protein forms K793N, K755N.
Identifiers: ClinVar variation 2060905 (VCV002060905.4), dbSNP rs2519944500, ClinGen allele CA413712542.

ClinVar aggregate classification (germline): Uncertain significance (1 of 4 stars; one submission).

Conditions:
Alpha thalassemia-X-linked intellectual disability syndrome (ATRX). Also called: ALPHA-THALASSEMIA/MENTAL RETARDATION SYNDROME, X-LINKED; ATR, NONDELETION TYPE; ATR-X syndrome; Alpha thalassemia mental retardation syndrome, nondeletion type, X-linked; XLMR hypotonic face syndrome; X-linked alpha-thalassemia-mental retardation syndrome. Identifiers: Orphanet 847, MedGen C1845055, MONDO:0010519, OMIM 301040.

Submission:

Labcorp Genetics (formerly Invitae), Labcorp
Classification: Uncertain significance for Alpha thalassemia-X-linked intellectual disability syndrome. Last evaluated: 2023-10-13. Review status: criteria provided, single submitter. Criteria: Invitae Variant Classification Sherloc (09022015). Collection method: clinical testing. Allele origin: germline.
Comment: This sequence change replaces lysine, which is basic and polar, with asparagine, which is neutral and polar, at codon 793 of the ATRX protein (p.Lys793Asn). This variant is not present in population databases (gnomAD no frequency). This variant has not been reported in the literature in individuals affected with ATRX-related conditions. ClinVar contains an entry for this variant (Variation ID: 2060905). Advanced modeling of protein sequence and biophysical properties (such as structural, functional, and spatial information, amino acid conservation, physicochemical variation, residue mobility, and thermodynamic stability) performed at Invitae indicates that this missense variant is not expected to disrupt ATRX protein function. In summary, the available evidence is currently insufficient to determine the role of this variant in disease. Therefore, it has been classified as a Variant of Uncertain Significance.